The following is an entry in ClinVar:

NM_003336.4(UBE2A):c.44+8G>A

Gene: UBE2A (ubiquitin conjugating enzyme E2 A; plus strand). Cytogenetic location: Xq24.
Variant type: single nucleotide variant.
Coding change: c.44+8G>A on transcript NM_003336.4 (MANE Select); 8 bases into the intron after coding-DNA position 44, G replaced by A.
Molecular consequence: intron variant.
Genome position (GRCh38, 1-based): chrX:119,574,763, G>A. VCF-style: chrX-119574763-G-A. GRCh37 (hg19) VCF-style: chrX-118708726-G-A.
Other names: c.44+8G>A (NM_181762.3); c.-49+8G>A (NM_001282161.2).
Identifiers: ClinVar variation 4525837 (VCV004525837.3).

ClinVar aggregate classification (germline): Likely benign. Review status: criteria provided, multiple submitters, no conflicts (2 of 4 stars). 3 submissions from 3 submitters: Likely benign (3). Last evaluated 2026-01-28.

gnomAD v4.1: 3 of 1,190,210 alleles (0.00025%); highest among the groups gnomAD compares: Non-Finnish European, 0.00034%; no homozygotes.

Submissions (3):

Labcorp Genetics (formerly Invitae), Labcorp
Classification: Likely benign. Last evaluated: 2026-01-28. Review status: criteria provided, single submitter. Criteria: Invitae Variant Classification Sherloc (09022015). Collection method: clinical testing. Allele origin: germline.

Women's Health and Genetics/Laboratory Corporation of America, LabCorp
Classification: Likely benign. Last evaluated: 2025-07-16. Review status: criteria provided, single submitter. Criteria: LabCorp Variant Classification Summary - May 2015. Collection method: clinical testing. Allele origin: germline.
Comment: Variant summary: UBE2A c.44+8G>A alters a nucleotide located at a position not widely known to affect splicing. Consensus agreement among computation tools predict no significant impact on normal splicing. However, these predictions have yet to be confirmed by functional studies. The variant was absent in 135371 control chromosomes (gnomAD). The available data on variant occurrences in the general population are insufficient to allow any conclusion about variant significance. To our knowledge, no occurrence of c.44+8G>A in individuals affected with Syndromic X-Linked Intellectual Disability Nascimento Type and no experimental evidence demonstrating its impact on protein function have been reported. No submitters have cited clinical-significance assessments for this variant to ClinVar. Based on the evidence outlined above, the variant was classified as likely benign.

Blueprint Genetics
Classification: Likely benign. Last evaluated: 2023-04-14. Review status: criteria provided, single submitter. Criteria: ACMG Guidelines, 2015. Collection method: clinical testing. Allele origin: germline.